The following is an entry in ClinVar:

NM_001098511.3(KIF2A):c.287G>A (p.Arg96Gln)

Gene: KIF2A (kinesin family member 2A; plus strand). Cytogenetic location: 5q12.1.
Variant type: single nucleotide variant.
Coding change: c.287G>A on transcript NM_001098511.3 (MANE Select); coding-DNA position 287, G replaced by A.
Protein change: p.Arg96Gln; replaces arginine 96 with glutamine.
Molecular consequence: missense variant.
Genome position (GRCh38, 1-based): chr5:62,350,073, G>A. VCF-style: chr5-62350073-G-A. GRCh37 (hg19) VCF-style: chr5-61645900-G-A.
Other names: c.287G>A (NM_001098511.2); c.206G>A, p.Arg69Gln (NM_001243952.2); c.287G>A, p.Arg96Gln (NM_001243953.2, NM_004520.5); short protein forms R96Q, R69Q.
Identifiers: ClinVar variation 3010654 (VCV003010654.4), dbSNP rs1007319532, ClinGen allele CA120080518.

ClinVar aggregate classification (germline): Uncertain significance. Review status: criteria provided, multiple submitters, no conflicts (2 of 4 stars). 2 submissions from 2 submitters: Uncertain significance (2). Last evaluated 2025-11-05.

Conditions:
Inborn genetic diseases. Identifiers: MedGen C0950123, MeSH D030342.

Allele frequency attached by ClinVar (database versions not stated): gnomAD exomes below 0.00001; TOPMed below 0.00001; gnomAD 0.00001.
gnomAD v4.1: 5 of 1,587,348 alleles (0.00031%); highest among the groups gnomAD compares: Admixed American, 0.0018%; no homozygotes.

Submissions (2):

Ambry Genetics
Classification: Uncertain significance for Inborn genetic diseases. Last evaluated: 2025-11-05. Review status: criteria provided, single submitter. Criteria: Ambry Variant Classification Scheme 2023. Collection method: clinical testing. Allele origin: germline.
Comment: The c.287G>A (p.R96Q) alteration is located in exon 4 (coding exon 4) of the KIF2A gene. This alteration results from a G to A substitution at nucleotide position 287, causing the arginine (R) at amino acid position 96 to be replaced by a glutamine (Q). Based on data from gnomAD, the A allele has an overall frequency of 0.001% (2/229064) total alleles studied. The highest observed frequency was 0.005% (1/21040) of European (Finnish) alleles. Based on insufficient or conflicting evidence, the clinical significance of this alteration remains unclear.

Labcorp Genetics (formerly Invitae), Labcorp
Classification: Uncertain significance. Last evaluated: 2023-05-12. Review status: criteria provided, single submitter. Criteria: Invitae Variant Classification Sherloc (09022015). Collection method: clinical testing. Allele origin: germline.
Comment: The frequency data for this variant in the population databases is considered unreliable, as metrics indicate poor data quality at this position in the gnomAD database. This sequence change replaces arginine, which is basic and polar, with glutamine, which is neutral and polar, at codon 96 of the KIF2A protein (p.Arg96Gln). This variant has not been reported in the literature in individuals affected with KIF2A-related conditions. In summary, the available evidence is currently insufficient to determine the role of this variant in disease. Therefore, it has been classified as a Variant of Uncertain Significance. An algorithm developed to predict the effect of missense changes on protein structure and function (PolyPhen-2) suggests that this variant is likely to be tolerated.